The following is an entry in ClinVar:

ClinVar aggregate classification (germline): Uncertain significance. Review status: reviewed by expert panel (3 of 4 stars). 2 submissions from 2 submitters: Uncertain significance (1). 1 of the submissions does not count toward it. Last evaluated 2026-08-17.

Conditions:
Alexander disease (ALXDRD). Also called: Alexander's disease. Identifiers: Orphanet 58, MedGen C0270726, MONDO:0008752, OMIM 203450.

gnomAD v4.1: 2 of 1,602,554 alleles (0.00012%); highest among the groups gnomAD compares: Non-Finnish European, 0.00017%; no homozygotes.

Submissions (2):

ClinGen Leukodystrophy and Leukoencephalopathy Variant Curation Expert Panel, ClinGen
Classification: Uncertain significance for Alexander disease. Last evaluated: 2026-08-17. Review status: reviewed by expert panel. Criteria: ClinGen Leuko ACMG Specifications GFAP V1.0. Collection method: curation. Allele origin: germline. Inheritance: Autosomal dominant inheritance.
Comment: The c.32G>C variant in GFAP is a missense variant predicted to cause substitution of arginine by proline at amino acid 11 (p.Arg11Pro). The Total GrpMax filtering allele frequency (the lower threshold of the 95% CI of 2/1175172) in gnomAD v.4.1.1 is 0.00000028 in European (non-Finnish) population (PM2_Supporting, BS1, and BA1 are not met). This variant was identified in a proband who does not meet clinical criteria for Alexander disease (ClinVar ID: 1420224; Personal communication, LabCorp Genetics (formerly Invitae) ClinVar SCV002193003.5). In summary, this variant meets the criteria to be classified as a variant of uncertain significance for Alexander disease based on the ACMG/AMP criteria applied, as specified by the ClinGen Leukodystrophy and Leukoencephalopathy Expert Panel: N/A (ClinGen Leukodystrophy and Leukoencephalopathy VCEP Specifications Version 1.0.0).

Labcorp Genetics (formerly Invitae), Labcorp
Classification: Uncertain significance. Last evaluated: 2021-12-02. Review status: criteria provided, single submitter. Criteria: Invitae Variant Classification Sherloc (09022015). Collection method: clinical testing. Allele origin: germline. Not counted in ClinVar's aggregate classification.
Comment: This variant has not been reported in the literature in individuals affected with GFAP-related conditions. This variant is present in population databases (no rsID available, gnomAD 0.001%). This sequence change replaces arginine, which is basic and polar, with proline, which is neutral and non-polar, at codon 11 of the GFAP protein (p.Arg11Pro). Algorithms developed to predict the effect of missense changes on protein structure and function (SIFT, PolyPhen-2, Align-GVGD) all suggest that this variant is likely to be tolerated. In summary, the available evidence is currently insufficient to determine the role of this variant in disease. Therefore, it has been classified as a Variant of Uncertain Significance.

NM_002055.5(GFAP):c.32G>C (p.Arg11Pro)

Gene: GFAP (glial fibrillary acidic protein; minus strand). Cytogenetic location: 17q21.31.
Variant type: single nucleotide variant.
Coding change: c.32G>C on transcript NM_002055.5 (MANE Select); coding-DNA position 32, G replaced by C.
Protein change: p.Arg11Pro; replaces arginine 11 with proline.
Molecular consequence: missense variant.
Genome position (GRCh38, 1-based): chr17:44,915,455, C>G on the plus strand (G>C on the coding strand, the complement: GFAP is on the minus strand). VCF-style: chr17-44915455-C-G. GRCh37 (hg19) VCF-style: chr17-42992823-C-G.
Other names: NM_002055.5(GFAP):c.32G>C; p.Arg11Pro; c.32G>C, p.Arg11Pro (NM_001131019.3, NM_001242376.3, NM_001363846.2); short protein forms R11P.
Identifiers: ClinVar variation 1420224 (VCV001420224.7), dbSNP rs780481913, ClinGen allele CA399849223.